The following is an entry in ClinVar:

ClinVar aggregate classification (germline): Uncertain significance (1 of 4 stars; one submission).

Conditions:
Hypoplastic enamel-onycholysis-hypohidrosis syndrome (TNS). Also called: NAIL DYSPLASIA WITH HYPODONTIA; Tooth-and-Nail Syndrome; ECTODERMAL DYSPLASIA 3, TOOTH/NAIL TYPE; WITKOP SYNDROME; ECTODERMAL DYSPLASIA 3, WITKOP TYPE. Identifiers: Orphanet 2228, MedGen C0406735, MONDO:0008582, OMIM 189500.

Submission:

Labcorp Genetics (formerly Invitae), Labcorp
Classification: Uncertain significance for Hypoplastic enamel-onycholysis-hypohidrosis syndrome. Last evaluated: 2016-10-31. Review status: criteria provided, single submitter. Criteria: Invitae Variant Classification Sherloc (09022015). Collection method: clinical testing. Allele origin: germline.
Comment: In summary, this is a novel truncating variant in the last exon of the MSX1 gene. While it is absent from the population and removes residues that may be important for protein function, the current evidence is insufficient to determine its role in disease. Therefore, it has been classified as a Variant of Uncertain Significance. This sequence change results in a premature translational stop signal in the last exon of the MSX1 mRNA at codon 251 (p.Phe251*). While this is not anticipated to result in nonsense mediated decay, it is expected to delete the last 52 amino acids of the MSX1 protein. This variant is not present in population databases (ExAC no frequency) and has not been reported in the literature in individuals with a MSX1-related disease. An experimental study has shown that the the last 32 amino acids of the MSX1 protein are critical for DNA binding specificity, nuclear localization, and transcriptional repression (PMID: 16600910). However, the clinical significance of these effects on protein function is unknown.

Literature cited by the submitters: PubMed 16600910.

NM_002448.3(MSX1):c.752_753delinsAA (p.Phe251Ter)

Gene: MSX1 (msh homeobox 1; plus strand). Cytogenetic location: 4p16.2.
Variant type: Indel.
Coding change: c.752_753delinsAA on transcript NM_002448.3 (MANE Select); coding-DNA positions 752 to 753, TC replaced by AA.
Protein change: p.Phe251Ter; replaces phenylalanine 251 with a stop codon.
Molecular consequence: nonsense.
Genome position (GRCh38, 1-based): chr4:4,862,983-4,862,984, TC replaced by AA. VCF-style: chr4-4862983-TC-AA. GRCh37 (hg19) VCF-style: chr4-4864710-TC-AA.
Other names: c.752_753delTCinsAA (NM_002448.3); short protein forms F251*.
Identifiers: ClinVar variation 461603 (VCV000461603.8), dbSNP rs1553878166, ClinGen allele CA658657376.